The following is an entry in ClinVar:

NM_002168.4(IDH2):c.1084C>T (p.Arg362Trp)

Gene: IDH2 (isocitrate dehydrogenase (NADP(+)) 2; minus strand). Cytogenetic location: 15q26.1.
Variant type: single nucleotide variant.
Coding change: c.1084C>T on transcript NM_002168.4 (MANE Select); coding-DNA position 1084, C replaced by T.
Protein change: p.Arg362Trp; replaces arginine 362 with tryptophan.
Molecular consequence: missense variant.
Genome position (GRCh38, 1-based): chr15:90,085,095, G>A on the plus strand (C>T on the coding strand, the complement: IDH2 is on the minus strand). VCF-style: chr15-90085095-G-A. GRCh37 (hg19) VCF-style: chr15-90628327-G-A.
Other names: p.Arg362Trp; c.928C>T, p.Arg310Trp (NM_001289910.1); c.694C>T, p.Arg232Trp (NM_001290114.2); short protein forms R232W, R310W, R362W.
Identifiers: ClinVar variation 2906975 (VCV002906975.4), dbSNP rs368451876, ClinGen allele CA7732968.

ClinVar aggregate classification (germline): Uncertain significance. Review status: criteria provided, multiple submitters, no conflicts (2 of 4 stars). 2 submissions from 2 submitters: Uncertain significance (2). Last evaluated 2025-07-25.

Conditions:
D-2-hydroxyglutaric aciduria 2 (D2HGA2). Identifiers: Orphanet 79315, MedGen C3150909, MONDO:0013345, OMIM 613657.

Allele frequency attached by ClinVar (database versions not stated): TOPMed 0.00002; ExAC 0.00005; ESP Exome Variant Server 0.00008.
gnomAD v4.1: 28 of 1,613,490 alleles (0.0017%); highest among the groups gnomAD compares: African/African-American, 0.012%; no homozygotes.

Submissions (2):

Mayo Clinic Laboratories, Mayo Clinic
Classification: Uncertain significance. Last evaluated: 2025-07-25. Review status: criteria provided, single submitter. Criteria: ACMG Guidelines, 2015. Collection method: clinical testing. Allele origin: germline. Observed: 1 variant allele.
Comment: PM2_supporting

Labcorp Genetics (formerly Invitae), Labcorp
Classification: Uncertain significance for D-2-hydroxyglutaric aciduria 2. Last evaluated: 2023-04-26. Review status: criteria provided, single submitter. Criteria: Invitae Variant Classification Sherloc (09022015). Collection method: clinical testing. Allele origin: germline.
Comment: In summary, the available evidence is currently insufficient to determine the role of this variant in disease. Therefore, it has been classified as a Variant of Uncertain Significance. Advanced modeling of protein sequence and biophysical properties (such as structural, functional, and spatial information, amino acid conservation, physicochemical variation, residue mobility, and thermodynamic stability) performed at Invitae indicates that this missense variant is not expected to disrupt IDH2 protein function. This variant has not been reported in the literature in individuals affected with IDH2-related conditions. The frequency data for this variant in the population databases is considered unreliable, as metrics indicate poor data quality at this position in the gnomAD database. This sequence change replaces arginine, which is basic and polar, with tryptophan, which is neutral and slightly polar, at codon 362 of the IDH2 protein (p.Arg362Trp).

Literature cited by the submitters: PubMed 33057194 (cited by Mayo Clinic Laboratories, Mayo Clinic); PubMed 35982159 (cited by Mayo Clinic Laboratories, Mayo Clinic).